The following is an entry in ClinVar:

ClinVar aggregate classification (germline): Conflicting classifications of pathogenicity. Review status: criteria provided, conflicting classifications (1 of 4 stars). 9 submissions from 9 submitters: Uncertain significance (2); Likely benign (6). 1 of the submissions does not count toward it. Last evaluated 2025-10-04.

Conditions:
Inborn genetic diseases. Identifiers: MedGen C0950123, MeSH D030342.
MYH9-related disorder. Identifiers: MedGen C1854520.

Allele frequency attached by ClinVar (database versions not stated): gnomAD 0.00001; gnomAD exomes 0.00001 and 0.00003; ExAC 0.00003; TOPMed 0.00003.
gnomAD v4.1: 69 of 1,614,046 alleles (0.0043%); highest among the groups gnomAD compares: East Asian, 0.036%; 3 homozygotes.

Submissions (9):

Labcorp Genetics (formerly Invitae), Labcorp
Classification: Likely benign. Last evaluated: 2025-10-04. Review status: criteria provided, single submitter. Criteria: Invitae Variant Classification Sherloc (09022015). Collection method: clinical testing. Allele origin: germline.

Women's Health and Genetics/Laboratory Corporation of America, LabCorp
Classification: Uncertain significance. Last evaluated: 2025-07-30. Review status: criteria provided, single submitter. Criteria: LabCorp Variant Classification Summary - May 2015. Collection method: clinical testing. Allele origin: germline.
Comment: Variant summary: MYH9 c.11A>G (p.Gln4Arg) results in a conservative amino acid change in the encoded protein sequence. Algorithms developed to predict the effect of missense changes on protein structure and function all suggest that this variant is likely to be tolerated. The variant allele was found at a frequency of 3.2e-05 in 248786 control chromosomes. The available data on variant occurrences in the general population are insufficient to allow any conclusion about variant significance. To our knowledge, no occurrence of c.11A>G in individuals affected with Macrothrombocytopenia And Granulocyte Inclusions With Or Without Nephritis Or Sensorineural Hearing Loss and no experimental evidence demonstrating its impact on protein function have been reported. ClinVar contains an entry for this variant (Variation ID: 505004). Based on the evidence outlined above, the variant was classified as uncertain significance.

Ambry Genetics
Classification: Uncertain significance for Inborn genetic diseases. Last evaluated: 2024-12-13. Review status: criteria provided, single submitter. Criteria: Ambry Variant Classification Scheme 2023. Collection method: clinical testing. Allele origin: germline.

ARUP Laboratories, Molecular Genetics and Genomics, ARUP Laboratories
Classification: Likely benign. Last evaluated: 2024-11-06. Review status: criteria provided, single submitter. Criteria: ARUP Molecular Germline Variant Investigation Process 2024. Collection method: clinical testing. Allele origin: germline.

Blueprint Genetics
Classification: Likely benign. Last evaluated: 2024-09-24. Review status: criteria provided, single submitter. Criteria: ACMG Guidelines, 2015. Collection method: clinical testing. Allele origin: germline.

Clinical Genomics Laboratory, Stanford Medicine
Classification: Likely benign. Last evaluated: 2024-08-05. Review status: criteria provided, single submitter. Criteria: ACMG Guidelines, 2015. Collection method: clinical testing. Allele origin: germline. Observed: 1 variant allele, 1 heterozygote.
Comment: Since the original reporting of this variant, updated population data indicates that this variant is present in the population at an allele frequency higher than expected for a pathogenic variant. This variant has been identified in 16/44,892 East Asian chromosomes (69/1,614,046 chromosomes overall including 3 homozyous individuals) by the Genome Aggregation Database v4.1.0. This additional information provides sufficient evidence to update the classification of the MYH9 c.11A>G (p.Gln4Arg) variant to likely benign.

GeneDx
Classification: Likely benign. Last evaluated: 2021-05-21. Review status: criteria provided, single submitter. Criteria: GeneDx Variant Classification Process June 2021. Collection method: clinical testing. Allele origin: germline. Affected: yes.

Laboratory for Molecular Medicine, Mass General Brigham Personalized Medicine
Classification: Likely benign. Last evaluated: 2016-05-21. Review status: criteria provided, single submitter. Criteria: LMM Criteria. Collection method: clinical testing. Allele origin: germline. Observed: 2 variant alleles.
Comment: p.Gln4Arg in exon 2 of MYH9: This variant is not expected to have clinical sign ificance because although the glutamine (Gln) at position 4 is conserved in mamm als, it is not conserved in evolutionary distant species, with over 10 species ( birds, reptiles, fish) having an arginine (Arg). It has been identified in 3/85 94 East Asian chromosomes by the Exome Aggregation Consortium (ExAC .; dbSNP rs773960235). In summary, this information indicates that this variant is likely benign.

PreventionGenetics, part of Exact Sciences
Classification: Likely benign for MYH9-related condition. Last evaluated: 2024-06-20. Review status: no assertion criteria provided. Collection method: clinical testing. Allele origin: germline. Not counted in ClinVar's aggregate classification.
Comment: This variant is classified as likely benign based on ACMG/AMP sequence variant interpretation guidelines (Richards et al. 2015 PMID: 25741868, with internal and published modifications).

NM_002473.6(MYH9):c.11A>G (p.Gln4Arg)

Gene: MYH9 (myosin heavy chain 9; minus strand). Cytogenetic location: 22q12.3.
Variant type: single nucleotide variant.
Coding change: c.11A>G on transcript NM_002473.6 (MANE Select); coding-DNA position 11, A replaced by G.
Protein change: p.Gln4Arg; replaces glutamine 4 with arginine.
Molecular consequence: missense variant.
Genome position (GRCh38, 1-based): chr22:36,349,226, T>C on the plus strand (A>G on the coding strand, the complement: MYH9 is on the minus strand). VCF-style: chr22-36349226-T-C. GRCh37 (hg19) VCF-style: chr22-36745271-T-C.
Other names: c.11A>G (NM_002473.5); short protein forms Q4R.
Identifiers: ClinVar variation 505004 (VCV000505004.22), dbSNP rs773960235, ClinGen allele CA10210742.
Genomic context (GRCh38, chr22:36,349,226, plus strand): 5'-GCCTGGGCCAGCGGATTGTTGATGAAGTTTTTATCCACATAGAGATACTTATCGGCAGCT[T>C]GCTGTGCCATGGTGACTTATAGCCAGGACCTAAGCGGGGAGGAGAAGGACAACACATTAC-3'
Protein context (NP_002464.1, residues 1-14): MAQ[Gln4Arg]AADKYLYVDK